The following is an entry in ClinVar:

ClinVar aggregate classification (germline): Uncertain significance (1 of 4 stars; one submission).

Submission:

CeGaT Center for Human Genetics Tuebingen
Classification: Uncertain significance. Last evaluated: 2026-06-01. Review status: criteria provided, single submitter. Criteria: CeGaT Center For Human Genetics Tuebingen Variant Classification Criteria Version 2. Collection method: clinical testing. Allele origin: germline. Affected: yes. Observed: 1 variant allele.
Comment: VPS16: PM2, BP4

NM_022575.4(VPS16):c.164G>A (p.Arg55Gln)

Gene: VPS16 (VPS16 core subunit of CORVET and HOPS complexes; plus strand). Cytogenetic location: 20p13.
Variant type: single nucleotide variant.
Coding change: c.164G>A on transcript NM_022575.4 (MANE Select); coding-DNA position 164, G replaced by A.
Protein change: p.Arg55Gln; replaces arginine 55 with glutamine.
Molecular consequence: missense variant.
Genome position (GRCh38, 1-based): chr20:2,860,075, G>A. VCF-style: chr20-2860075-G-A. GRCh37 (hg19) VCF-style: chr20-2840721-G-A.
Other names: c.164G>A, p.Arg55Gln (NM_080413.3); short protein forms R55Q.
Identifiers: ClinVar variation 4872742 (VCV004872742.2).